The following is an entry in ClinVar:

NM_004225.3(MFHAS1):c.102T>C (p.Leu34=)

Gene: MFHAS1 (multifunctional ROCO family signaling regulator 1). Cytogenetic location: 8p23.1.
Variant type: single nucleotide variant.
Coding change: c.102T>C on transcript NM_004225.3 (MANE Select); coding-DNA position 102, T replaced by C.
Protein change: p.Leu34=; no amino-acid change (leucine 34 retained).
Molecular consequence: synonymous variant.
Genome position (GRCh38, 1-based): chr8:8,892,957, A>G on the plus strand (T>C on the coding strand, the complement: MFHAS1 is on the minus strand). VCF-style: chr8-8892957-A-G. GRCh37 (hg19) VCF-style: chr8-8750467-A-G.
Identifiers: ClinVar variation 3059488 (VCV003059488.2), dbSNP rs1062988, ClinGen allele CA4619612.
Genomic context (GRCh38, chr8:8,892,957, plus strand): 5'-GGGGGAGGCGGGGGACTCGAGCGCGTCGGCCCCGGCCCCGGGGCAGGCCCCGGCGGCGGT[A>G]AGCGTGAGCTGGCGCAGGTTGCTCCGCAGCTTCCTGGCACGCAGGGCGGCGTCCCGCCAC-3'
Protein context (NP_004216.2, residues 24-44): KLRSNLRQLT[Leu34=]TAAGACPGAG

ClinVar aggregate classification (germline): Benign (0 of 4 stars; one submission).

Conditions:
MFHAS1-related disorder. Also called: MFHAS1-related condition.

Allele frequency attached by ClinVar (database versions not stated): ESP Exome Variant Server 0.14910; 1000 Genomes Project 0.16254; 1000 Genomes Project 30x 0.16708; gnomAD 0.17577; TOPMed 0.18450; ExAC 0.19513.
gnomAD v4.1: 218,190 of 1,542,680 alleles (14%); highest among the groups gnomAD compares: African/African-American, 31%; 17,464 homozygotes.

Submission:

PreventionGenetics, part of Exact Sciences
Classification: Benign for MFHAS1-related condition. Last evaluated: 2019-10-28. Review status: no assertion criteria provided. Collection method: clinical testing. Allele origin: germline.
Comment: This variant is classified as benign based on ACMG/AMP sequence variant interpretation guidelines (Richards et al. 2015 PMID: 25741868, with internal and published modifications).